The following is an entry in ClinVar:

NM_000516.7(GNAS):c.445_446del (p.His149fs)

Gene: GNAS (GNAS complex locus; plus strand). Cytogenetic location: 20q13.32.
Variant type: Deletion.
Coding change: c.445_446del on transcript NM_000516.7 (MANE Select); coding-DNA positions 445 to 446, 2 bases deleted (CA; older notation c.445_446delCA).
Protein change: p.His149fs; shifts the reading frame from histidine 149.
Molecular consequence: frameshift variant. On other transcripts: 3 prime UTR variant (2).
Genome position (GRCh38, 1-based): chr20:58,905,395-58,905,396, CA deleted. VCF-style (leftmost placement, unchanged base first): chr20-58905394-GCA-G. GRCh37 (hg19) VCF-style: chr20-57480449-GCA-G.
Other names: c.448_449del, p.His150fs (NM_001077488.5); c.400_401del, p.His134fs (NM_001077489.4); c.*306_*307del (NM_001077490.3); c.268_269del, p.His90fs (NM_001309840.2, NM_001309861.2); c.349_350del, p.His117fs (NM_001410912.1); c.2329_2330del, p.His777fs (NM_001410913.1); c.*351_*352del (NM_016592.5); c.2374_2375del, p.His792fs (NM_080425.4); and 1 more; short protein forms H117fs, H134fs, H135fs, H149fs, H150fs, H777fs, H792fs, H90fs.
Identifiers: ClinVar variation 3373471 (VCV003373471.4).
Genomic context (GRCh38, chr20:58,905,394, plus strand): 5'-TTAGTTCAAGCTCTTGCCTTTCTCTAAACTTTCTTGTGTTCACTTTCAGGAATTCTATGA[GCA>G]TGCCAAGGCTCTGTGGGAGGATGAAGGAGTGCGTGCCTGCTACGAACGCTCCAACGAGTA-3'

ClinVar aggregate classification (germline): Pathogenic/Likely pathogenic. Review status: criteria provided, multiple submitters, no conflicts (2 of 4 stars). 3 submissions from 3 submitters: Pathogenic (1); Likely pathogenic (2). Last evaluated 2024-03-01.

Conditions:
McCune-Albright syndrome (MAS). Also called: Fibrous Dysplasia / McCune-Albright Syndrome; ALBRIGHT SYNDROME; Albright's Syndrome; Albright's disease; McCune-Albright syndrome, somatic, mosaic. Identifiers: Orphanet 562, MedGen C0242292, MONDO:0018919, OMIM 174800.
Pseudohypoparathyroidism type 1C (PHP1C). Also called: PHP IC; Pseudohypoparathyroidism Ic (PHP-Ic); PSEUDOHYPOPARATHYROIDISM, TYPE IC. Identifiers: Orphanet 79444, MedGen C2932716, MONDO:0012911, OMIM 612462.
Pseudohypoparathyroidism type 1B (PHP1B). Also called: PHP IB; Pseudohypoparathyroidism Ib (PHP-Ib); Pseudohypoparathyroidism Type IB. Identifiers: Orphanet 94089, MedGen C1864100, MONDO:0011301, OMIM 603233.
Pseudopseudohypoparathyroidism (PPHP). Also called: Pseudopseudohypoparathyroidism (PPHP); ALBRIGHT HEREDITARY OSTEODYSTROPHY WITHOUT MULTIPLE HORMONE RESISTANCE. Identifiers: Orphanet 79445, MedGen C0033835, MONDO:0012912, OMIM 612463.
Pituitary adenoma 3, multiple types. Also called: PITUITARY ADENOMA 3, ACTH-SECRETING, SOMATIC; PITUITARY ADENOMA 3, GROWTH HORMONE-SECRETING, SOMATIC. Identifiers: MedGen C4540135, MONDO:0054665, OMIM 617686.
Progressive osseous heteroplasia (POH). Also called: ECTOPIC OSSIFICATION, FAMILIAL; Progressive Osseus Heteroplasia (POH); Osseus Heteroplasia, Progressive; Osteoma cutis. Identifiers: Orphanet 2762, MedGen C0334041, MONDO:0008153, OMIM 166350, HP:0025027.
ACTH-independent macronodular adrenal hyperplasia 1 (AIMAH1). Also called: CORTICOTROPIN-INDEPENDENT MACRONODULAR ADRENAL HYPERPLASIA; ACTH-INDEPENDENT MACRONODULAR ADRENOCORTICAL HYPERPLASIA; ACTH-independent macronodular adrenal hyperplasia, somatic; CUSHING SYNDROME, ADRENAL, DUE TO AIMAH; ADRENOCORTICOTROPIC HORMONE-INDEPENDENT MACRONODULAR ADRENAL HYPERPLASIA. Identifiers: MedGen C1857451, MONDO:0020735, OMIM 219080.
Pseudohypoparathyroidism type I A (PHP1A). Also called: PHP IA; Pseudohypoparathyroidism type 1A; Pseudohypoparathyroidism Ia (PHP-Ia); Pseudohypoparathyroidism Type IA; ALBRIGHT HEREDITARY OSTEODYSTROPHY WITH MULTIPLE HORMONE RESISTANCE. Identifiers: Orphanet 79443, MedGen C3494506, MONDO:0007078, OMIM 103580.

Submissions (3):

GeneDx
Classification: Likely pathogenic. Last evaluated: 2024-03-01. Review status: criteria provided, single submitter. Criteria: GeneDx Variant Classification Process June 2021. Collection method: clinical testing. Allele origin: germline. Affected: yes.
Comment: Frameshift variant predicted to result in protein truncation or nonsense mediated decay in a gene for which loss of function is a known mechanism of disease; Not observed at significant frequency in large population cohorts (gnomAD); Has not been previously published as pathogenic or benign to our knowledge

Labcorp Genetics (formerly Invitae), Labcorp
Classification: Pathogenic. Last evaluated: 2024-02-22. Review status: criteria provided, single submitter. Criteria: Invitae Variant Classification Sherloc (09022015). Collection method: clinical testing. Allele origin: germline.
Comment: This sequence change creates a premature translational stop signal (p.His149Cysfs*8) in the GNAS gene. It is expected to result in an absent or disrupted protein product. Loss-of-function variants in GNAS are known to be pathogenic (PMID: 11784876, 23281139, 23796510, 25802881). This variant is not present in population databases (gnomAD no frequency). This variant has not been reported in the literature in individuals affected with GNAS-related conditions. For these reasons, this variant has been classified as Pathogenic.

Fulgent Genetics
Classification: Likely pathogenic for Pseudohypoparathyroidism type I A; Progressive osseous heteroplasia; McCune-Albright syndrome; ACTH-independent macronodular adrenal hyperplasia 1; Pseudohypoparathyroidism type 1B; Pseudohypoparathyroidism type 1C; Pseudopseudohypoparathyroidism; Pituitary adenoma 3, multiple types. Last evaluated: 2024-01-05. Review status: criteria provided, single submitter. Criteria: ACMG Guidelines, 2015. Collection method: clinical testing. Allele origin: germline.

Literature cited by the submitters: PubMed 11784876 (cited by Labcorp Genetics (formerly Invitae), Labcorp); PubMed 23281139 (cited by Labcorp Genetics (formerly Invitae), Labcorp); PubMed 23796510 (cited by Labcorp Genetics (formerly Invitae), Labcorp); PubMed 25802881 (cited by Labcorp Genetics (formerly Invitae), Labcorp).